The following is an entry in ClinVar:

NM_003105.6(SORL1):c.3295T>C (p.Phe1099Leu)

Genes: SORL1 (sortilin related receptor 1; plus strand), LOC130006953 (ATAC-STARR-seq lymphoblastoid active region 5661; plus strand). Cytogenetic location: 11q24.1.
Variant type: single nucleotide variant.
Coding change: c.3295T>C on transcript NM_003105.6 (MANE Select); coding-DNA position 3295, T replaced by C.
Protein change: p.Phe1099Leu; replaces phenylalanine 1099 with leucine.
Molecular consequence: missense variant.
Genome position (GRCh38, 1-based): chr11:121,570,228, T>C. VCF-style: chr11-121570228-T-C. GRCh37 (hg19) VCF-style: chr11-121440937-T-C.
Other names: short protein forms F1099L.
Identifiers: ClinVar variation 708123 (VCV000708123.37), dbSNP rs146903951, ClinGen allele CA6329195.

ClinVar aggregate classification (germline): Benign. Review status: criteria provided, multiple submitters, no conflicts (2 of 4 stars). 5 submissions from 5 submitters: Benign (3). 2 of the submissions do not count toward it. Last evaluated 2026-01-26.

Allele frequency attached by ClinVar (database versions not stated): 1000 Genomes Project 0.00240; 1000 Genomes Project 30x 0.00250; TOPMed 0.00674; gnomAD 0.00760 and 0.00784; ESP Exome Variant Server 0.00792; gnomAD exomes 0.00799 and 0.01005; ExAC 0.00826.
gnomAD v4.1: 15,736 of 1,613,946 alleles (0.98%); highest among the groups gnomAD compares: Non-Finnish European, 1.2%; 105 homozygotes.

Submissions (5):

Labcorp Genetics (formerly Invitae), Labcorp
Classification: Benign. Last evaluated: 2026-01-26. Review status: criteria provided, single submitter. Criteria: Invitae Variant Classification Sherloc (09022015). Collection method: clinical testing. Allele origin: germline.

CeGaT Center for Human Genetics Tuebingen
Classification: Benign. Last evaluated: 2025-12-01. Review status: criteria provided, single submitter. Criteria: CeGaT Center For Human Genetics Tuebingen Variant Classification Criteria Version 2. Collection method: clinical testing. Allele origin: germline. Affected: yes. Observed: 6 variant alleles.
Comment: SORL1: BP4, BS1, BS2

Breakthrough Genomics
Classification: Benign. Review status: criteria provided, single submitter. Criteria: ACMG Guidelines, 2015. Collection method: not provided. Allele origin: germline. Inheritance: Unknown mechanism. Affected: yes.

Clinical Genetics DNA and cytogenetics Diagnostics Lab, Erasmus MC, Erasmus Medical Center
Classification: Likely benign. Review status: no assertion criteria provided. Collection method: clinical testing. Allele origin: germline. Affected: yes. Study: VKGL Data-share Consensus. Not counted in ClinVar's aggregate classification.

Genome Diagnostics Laboratory, Amsterdam University Medical Center
Classification: Benign. Review status: no assertion criteria provided. Collection method: clinical testing. Allele origin: germline. Affected: yes. Study: VKGL Data-share Consensus. Not counted in ClinVar's aggregate classification.